The following is an entry in ClinVar:

NM_021930.6(RINT1):c.443T>A (p.Met148Lys)

Gene: RINT1 (RAD50 interactor 1; plus strand). Cytogenetic location: 7q22.3.
Variant type: single nucleotide variant.
Coding change: c.443T>A on transcript NM_021930.6 (MANE Select); coding-DNA position 443, T replaced by A.
Protein change: p.Met148Lys; replaces methionine 148 with lysine.
Molecular consequence: missense variant. On other transcripts: 5 prime UTR variant (3), non-coding transcript variant (1).
Genome position (GRCh38, 1-based): chr7:105,542,577, T>A. VCF-style: chr7-105542577-T-A. GRCh37 (hg19) VCF-style: chr7-105183024-T-A.
Other names: c.209T>A, p.Met70Lys (NM_001346599.2); c.-577T>A (NM_001346600.2); c.-480T>A (NM_001346601.2); c.-100T>A (NM_001346603.2); short protein forms M148K, M70K.
Identifiers: ClinVar variation 3227657 (VCV003227657.1), dbSNP rs1220794918, ClinGen allele CA368803677.

ClinVar aggregate classification (germline): Uncertain significance (1 of 4 stars; one submission).

Submission:

Ambry Genetics
Classification: Uncertain significance. Last evaluated: 2024-01-26. Review status: criteria provided, single submitter. Criteria: Ambry Variant Classification Scheme 2023. Collection method: clinical testing. Allele origin: germline.
Comment: The p.M148K variant (also known as c.443T>A), located in coding exon 4 of the RINT1 gene, results from a T to A substitution at nucleotide position 443. The methionine at codon 148 is replaced by lysine, an amino acid with similar properties. This amino acid position is conserved. In addition, this alteration is predicted to be tolerated by in silico analysis. Based on the available evidence, the clinical significance of this alteration remains unclear.